The following is an entry in ClinVar:

NM_000052.7(ATP7A):c.1492A>G (p.Thr498Ala)

Gene: ATP7A (ATPase copper transporting alpha; plus strand). Cytogenetic location: Xq21.1.
Variant type: single nucleotide variant.
Coding change: c.1492A>G on transcript NM_000052.7 (MANE Select); coding-DNA position 1492, A replaced by G.
Protein change: p.Thr498Ala; replaces threonine 498 with alanine.
Molecular consequence: missense variant.
Genome position (GRCh38, 1-based): chrX:77,998,633, A>G. VCF-style: chrX-77998633-A-G. GRCh37 (hg19) VCF-style: chrX-77254130-A-G.
Other names: c.1492A>G, p.Thr498Ala (NM_001282224.2); short protein forms T498A.
Identifiers: ClinVar variation 1773806 (VCV001773806.2), dbSNP rs2522314646, ClinGen allele CA413595045.

ClinVar aggregate classification (germline): Uncertain significance (1 of 4 stars; one submission).

Conditions:
Inborn genetic diseases. Identifiers: MedGen C0950123, MeSH D030342.

Allele frequency attached by ClinVar (database versions not stated): gnomAD exomes below 0.00001.
gnomAD v4.1: 2 of 1,212,068 alleles (0.00017%); highest among the groups gnomAD compares: Non-Finnish European, 0.00022%; no homozygotes.

Submission:

Ambry Genetics
Classification: Uncertain significance for Inborn genetic diseases. Last evaluated: 2020-10-19. Review status: criteria provided, single submitter. Criteria: Ambry Variant Classification Scheme 2023. Collection method: clinical testing. Allele origin: germline.
Comment: The p.T498A variant (also known as c.1492A>G), located in coding exon 4 of the ATP7A gene, results from an A to G substitution at nucleotide position 1492. The threonine at codon 498 is replaced by alanine, an amino acid with similar properties. This amino acid position is highly conserved in available vertebrate species. In addition, this alteration is predicted to be deleterious by in silico analysis. Since supporting evidence is limited at this time, the clinical significance of this alteration remains unclear.